The following is an entry in ClinVar:

NM_139281.3(WDR36):c.699G>A (p.Trp233Ter)

Gene: WDR36 (WD repeat domain 36; plus strand). Cytogenetic location: 5q22.1.
Variant type: single nucleotide variant.
Coding change: c.699G>A on transcript NM_139281.3 (MANE Select); coding-DNA position 699, G replaced by A.
Protein change: p.Trp233Ter; replaces tryptophan 233 with a stop codon.
Molecular consequence: nonsense.
Genome position (GRCh38, 1-based): chr5:111,103,887, G>A. VCF-style: chr5-111103887-G-A. GRCh37 (hg19) VCF-style: chr5-110439586-G-A.
Other names: short protein forms W233*.
Identifiers: ClinVar variation 1303975 (VCV001303975.2), dbSNP rs1431880434, ClinGen allele CA360609324.

ClinVar aggregate classification (germline): Uncertain significance (1 of 4 stars; one submission).

Allele frequency attached by ClinVar (database versions not stated): gnomAD exomes below 0.00001; gnomAD 0.00001.
gnomAD v4.1: 4 of 1,611,008 alleles (0.00025%); highest among the groups gnomAD compares: Non-Finnish European, 0.00034%; no homozygotes.

Submission:

GeneDx
Classification: Uncertain significance. Last evaluated: 2020-06-05. Review status: criteria provided, single submitter. Criteria: GeneDx Variant Classification Process June 2021. Collection method: clinical testing. Allele origin: germline. Affected: yes.
Comment: Not observed at a significant frequency in large population cohorts (Lek et al., 2016); Nonsense variant predicted to result in protein truncation or nonsense mediated decay in a gene for which loss-of-function is not a known mechanism of disease; Has not been previously published as pathogenic or benign to our knowledge